The following is an entry in ClinVar:

ClinVar aggregate classification (germline): Uncertain significance. Review status: criteria provided, multiple submitters, no conflicts (2 of 4 stars). 2 submissions from 2 submitters: Uncertain significance (2). Last evaluated 2024-12-02.

Conditions:
Spondylocostal dysostosis 1, autosomal recessive (SCDO1). Also called: DLL3-Related Spondylocostal Dysostosis, Autosomal Recessive. Identifiers: Orphanet 2311, MedGen CN032975, MONDO:0020692, OMIM 277300.

Submissions (2):

Labcorp Genetics (formerly Invitae), Labcorp
Classification: Uncertain significance. Last evaluated: 2024-12-02. Review status: criteria provided, single submitter. Criteria: Invitae Variant Classification Sherloc (09022015). Collection method: clinical testing. Allele origin: germline.
Comment: This variant, c.1231_1248dup, results in the insertion of 6 amino acid(s) of the DLL3 protein (p.Gly411_Ser416dup), but otherwise preserves the integrity of the reading frame. This variant is not present in population databases (gnomAD no frequency). This variant has not been reported in the literature in individuals affected with DLL3-related conditions. ClinVar contains an entry for this variant (Variation ID: 1919385). Experimental studies and prediction algorithms are not available or were not evaluated, and the functional significance of this variant is currently unknown. In summary, the available evidence is currently insufficient to determine the role of this variant in disease. Therefore, it has been classified as a Variant of Uncertain Significance.

3billion
Classification: Uncertain significance for Spondylocostal dysostosis 1, autosomal recessive. Last evaluated: 2024-09-12. Review status: criteria provided, single submitter. Criteria: ACMG Guidelines, 2015. Collection method: clinical testing. Allele origin: germline. Affected: yes.
Comment: The variant is observed at an extremely low frequency in the gnomAD v4.0.0 dataset (total allele frequency: <0.001%). Predicted Consequence/Location: Inframe insertion located in a nonrepeat region: predicted to change the length of the protein and disrupt normal protein function. The variant has been reported as of uncertain significance (ClinVar ID: VCV001919385). Therefore, this variant is classified as VUS according to the recommendation of ACMG/AMP guideline.

NM_203486.3(DLL3):c.1231_1248dup (p.Ser416_Cys417insGlyAlaHisArgCysSer)

Genes: DLL3 (delta like canonical Notch ligand 3; plus strand), LOC130064418 (ATAC-STARR-seq lymphoblastoid silent region 10609; plus strand). Cytogenetic location: 19q13.2.
Variant type: Duplication.
Coding change: c.1231_1248dup on transcript NM_203486.3 (MANE Select); coding-DNA positions 1231 to 1248, 18 bases duplicated (GGCGCGCACCGCTGCTCC).
Protein change: p.Ser416_Cys417insGlyAlaHisArgCysSer.
Molecular consequence: inframe insertion.
Genome position (GRCh38, 1-based): chr19:39,507,176-39,507,193, GGCGCGCACCGCTGCTCC duplicated; duplicating any 18 consecutive bases within chr19:39,507,175-39,507,193 gives the same sequence; the c. name uses the placement nearest the transcript's 3' end. VCF-style (leftmost placement, unchanged base first): chr19-39507174-G-GCGGCGCGCACCGCTGCTC. GRCh37 (hg19) VCF-style: chr19-39997814-G-GCGGCGCGCACCGCTGCTC.
Other names: c.1231_1248dup, p.Ser416_Cys417insGlyAlaHisArgCysSer (NM_016941.4).
Identifiers: ClinVar variation 1919385 (VCV001919385.4), dbSNP rs1382302570, ClinGen allele CA882154446.
Genomic context (GRCh38, chr19:39,507,174, plus strand): 5'-ACGACCTGGACGACTGCGCGGGCCGCGCCTGCGCTAACGGCGGCACGTGTGTGGAGGGCG[G>GCGGCGCGCACCGCTGCTC]CGGCGCGCACCGCTGCTCCTGCGCGCTGGGCTTCGGCGGCCGCGACTGCCGCGAGCGCGC-3'